The following is an entry in ClinVar:

ClinVar aggregate classification (germline): Uncertain significance. Review status: criteria provided, multiple submitters, no conflicts (2 of 4 stars). 3 submissions from 3 submitters: Uncertain significance (3). Last evaluated 2025-02-24.

Conditions:
Hereditary cancer-predisposing syndrome. Also called: Hereditary neoplastic syndrome; Neoplastic Syndromes, Hereditary; Tumor predisposition; Hereditary Cancer Syndrome. Identifiers: Orphanet 140162, MedGen C0027672, MeSH D009386, MONDO:0015356.
Familial adenomatous polyposis 1 (FAP1). Also called: POLYPOSIS, ADENOMATOUS INTESTINAL; FAMILIAL ADENOMATOUS POLYPOSIS 1, ATTENUATED. Identifiers: MedGen C2713442, MONDO:0021056, OMIM 175100. Disease mechanism: loss of function.

Submissions (3):

Color Diagnostics, LLC DBA Color Health
Classification: Uncertain significance for Hereditary cancer-predisposing syndrome. Last evaluated: 2025-02-24. Review status: criteria provided, single submitter. Criteria: ACMG Guidelines, 2015. Collection method: clinical testing. Allele origin: germline.
Comment: This missense variant replaces serine with leucine at codon 2555 of the APC protein. Computational prediction suggests that this variant may not impact protein structure and function. To our knowledge, functional studies have not been reported for this variant. This variant has not been reported in individuals affected with APC-related disorders in the literature. This variant has not been identified in the general population by the Genome Aggregation Database (gnomAD). The available evidence is insufficient to determine the role of this variant in disease conclusively. Therefore, this variant is classified as a Variant of Uncertain Significance.

Ambry Genetics
Classification: Uncertain significance for Hereditary cancer-predisposing syndrome. Last evaluated: 2021-12-28. Review status: criteria provided, single submitter. Criteria: Ambry Variant Classification Scheme 2023. Collection method: clinical testing. Allele origin: germline.
Comment: The p.S2555L variant (also known as c.7664C>T), located in coding exon 15 of the APC gene, results from a C to T substitution at nucleotide position 7664. The serine at codon 2555 is replaced by leucine, an amino acid with dissimilar properties. This amino acid position is highly conserved in available vertebrate species. In addition, in silico predictors for this gene do not accurately predict pathogenicity. Since supporting evidence is limited at this time, the clinical significance of this alteration remains unclear.

Labcorp Genetics (formerly Invitae), Labcorp
Classification: Uncertain significance for Familial adenomatous polyposis 1. Last evaluated: 2017-03-08. Review status: criteria provided, single submitter. Criteria: Invitae Variant Classification Sherloc (09022015). Collection method: clinical testing. Allele origin: germline.
Comment: This sequence change replaces serine with leucine at codon 2555 of the APC protein (p.Ser2555Leu). The serine residue is highly conserved and there is a large physicochemical difference between serine and leucine. In summary, this variant is a novel missense change with uncertain impact on protein function. It has been classified as a Variant of Uncertain Significance. Algorithms developed to predict the effect of missense changes on protein structure and function do not agree on the potential impact of this missense change (SIFT: "Deleterious"; PolyPhen-2: "Probably Damaging"; Align-GVGD: "Class C15"). This variant is not present in population databases (ExAC no frequency) and has not been reported in the literature in individuals with an APC-related disease.

NM_000038.6(APC):c.7664C>T (p.Ser2555Leu)

Gene: APC (APC regulator of Wnt signaling pathway; plus strand). Cytogenetic location: 5q22.2.
Variant type: single nucleotide variant.
Coding change: c.7664C>T on transcript NM_000038.6 (MANE Select); coding-DNA position 7664, C replaced by T.
Protein change: p.Ser2555Leu; replaces serine 2555 with leucine.
Molecular consequence: missense variant.
Genome position (GRCh38, 1-based): chr5:112,843,258, C>T. VCF-style: chr5-112843258-C-T. GRCh37 (hg19) VCF-style: chr5-112178955-C-T.
Other names: c.7718C>T, p.Ser2573Leu (NM_001354896.2); c.7694C>T, p.Ser2565Leu (NM_001354897.2); c.7589C>T, p.Ser2530Leu (NM_001354898.2); c.7580C>T, p.Ser2527Leu (NM_001354899.2); c.7541C>T, p.Ser2514Leu (NM_001354900.2); c.7487C>T, p.Ser2496Leu (NM_001354901.2); c.7391C>T, p.Ser2464Leu (NM_001354902.2); c.7361C>T, p.Ser2454Leu (NM_001354903.2); and 5 more; short protein forms S2537L, S2555L, S2429L, S2454L, S2464L, S2514L, S2527L, S2573L.
Identifiers: ClinVar variation 470102 (VCV000470102.13), dbSNP rs1554088582, ClinGen allele CA16037984.